The following is an entry in ClinVar:

NM_022489.4(INF2):c.3082C>T (p.Arg1028Cys)

Gene: INF2 (inverted formin 2; plus strand). Cytogenetic location: 14q32.33.
Variant type: single nucleotide variant.
Coding change: c.3082C>T on transcript NM_022489.4 (MANE Select); coding-DNA position 3082, C replaced by T.
Protein change: p.Arg1028Cys; replaces arginine 1028 with cysteine.
Molecular consequence: missense variant.
Genome position (GRCh38, 1-based): chr14:104,714,244, C>T. VCF-style: chr14-104714244-C-T. GRCh37 (hg19) VCF-style: chr14-105180581-C-T.
Other names: c.3082C>T, p.Arg1028Cys (NM_001031714.4); short protein forms R1028C.
Identifiers: ClinVar variation 577557 (VCV000577557.12), dbSNP rs369987125, ClinGen allele CA7373177.

ClinVar aggregate classification (germline): Conflicting classifications of pathogenicity. Review status: criteria provided, conflicting classifications (1 of 4 stars). 4 submissions from 4 submitters: Uncertain significance (1); Likely benign (3). Last evaluated 2025-12-21.

Conditions:
Focal segmental glomerulosclerosis 5 (FSGS5). Identifiers: Orphanet 656, MedGen C2750475, MONDO:0013191, OMIM 613237.
Charcot-Marie-Tooth disease dominant intermediate E. Also called: CHARCOT-MARIE-TOOTH NEUROPATHY WITH FOCAL SEGMENTAL GLOMERULONEPHRITIS. Identifiers: Orphanet 93114, MedGen C4302667, MONDO:0013758, OMIM 614455.
Inborn genetic diseases. Identifiers: MedGen C0950123, MeSH D030342.

Allele frequency attached by ClinVar (database versions not stated): gnomAD 0.00004 and 0.00007; gnomAD exomes 0.00004 and 0.00005; TOPMed 0.00005; ExAC 0.00006; ESP Exome Variant Server 0.00008; 1000 Genomes Project 30x 0.00016; 1000 Genomes Project 0.00020.
gnomAD v4.1: 72 of 1,575,502 alleles (0.0046%); highest among the groups gnomAD compares: African/African-American, 0.0094%; no homozygotes.

Submissions (4):

Labcorp Genetics (formerly Invitae), Labcorp
Classification: Likely benign for Charcot-Marie-Tooth disease dominant intermediate E; Focal segmental glomerulosclerosis 5. Last evaluated: 2025-12-21. Review status: criteria provided, single submitter. Criteria: Invitae Variant Classification Sherloc (09022015). Collection method: clinical testing. Allele origin: germline.

Women's Health and Genetics/Laboratory Corporation of America, LabCorp
Classification: Likely benign. Last evaluated: 2025-09-17. Review status: criteria provided, single submitter. Criteria: LabCorp Variant Classification Summary - May 2015. Collection method: clinical testing. Allele origin: germline.
Comment: Variant summary: INF2 c.3082C>T (p.Arg1028Cys) results in a non-conservative amino acid change in the encoded protein sequence. Algorithms developed to predict the effect of missense changes on protein structure and function are either unavailable or do not agree on the potential impact of this missense change. The variant allele was found at a frequency of 5.3e-05 in 225848 control chromosomes. The observed variant frequency exceeds the estimated maximal expected allele frequency for disease-causing variants in INF2. To our knowledge, no occurrence of c.3082C>T in individuals affected with INF2-related conditions and no experimental evidence demonstrating its impact on protein function have been reported. ClinVar contains an entry for this variant (Variation ID: 577557). Based on the evidence outlined above, the variant was classified as likely benign.

Ambry Genetics
Classification: Uncertain significance for Inborn genetic diseases. Last evaluated: 2022-07-08. Review status: criteria provided, single submitter. Criteria: Ambry Variant Classification Scheme 2023. Collection method: clinical testing. Allele origin: germline.
Comment: The p.R1028C variant (also known as c.3082C>T), located in coding exon 20 of the INF2 gene, results from a C to T substitution at nucleotide position 3082. The arginine at codon 1028 is replaced by cysteine, an amino acid with highly dissimilar properties. This amino acid position is conserved. In addition, this alteration is predicted to be tolerated by in silico analysis. Since supporting evidence is limited at this time, the clinical significance of this alteration remains unclear.

GeneDx
Classification: Likely benign. Last evaluated: 2021-04-16. Review status: criteria provided, single submitter. Criteria: GeneDx Variant Classification Process June 2021. Collection method: clinical testing. Allele origin: germline. Affected: yes.